The following is an entry in ClinVar:

ClinVar aggregate classification (germline): Uncertain significance (1 of 4 stars; one submission).

gnomAD v4.1: 5 of 1,614,064 alleles (0.00031%); highest among the groups gnomAD compares: Non-Finnish European, 0.00042%; no homozygotes.

Submission:

CeGaT Center for Human Genetics Tuebingen
Classification: Uncertain significance. Last evaluated: 2025-02-01. Review status: criteria provided, single submitter. Criteria: CeGaT Center For Human Genetics Tuebingen Variant Classification Criteria Version 2. Collection method: clinical testing. Allele origin: germline. Affected: yes. Observed: 1 variant allele.
Comment: CHD5: PP2

NM_015557.3(CHD5):c.3650C>T (p.Thr1217Ile)

Gene: CHD5 (chromodomain helicase DNA binding protein 5; minus strand). Cytogenetic location: 1p36.31.
Variant type: single nucleotide variant.
Coding change: c.3650C>T on transcript NM_015557.3 (MANE Select); coding-DNA position 3650, C replaced by T.
Protein change: p.Thr1217Ile; replaces threonine 1217 with isoleucine.
Molecular consequence: missense variant.
Genome position (GRCh38, 1-based): chr1:6,128,579, G>A on the plus strand (C>T on the coding strand, the complement: CHD5 is on the minus strand). VCF-style: chr1-6128579-G-A. GRCh37 (hg19) VCF-style: chr1-6188639-G-A.
Other names: short protein forms T1217I.
Identifiers: ClinVar variation 3770905 (VCV003770905.13).